The following is an entry in ClinVar:

NM_000051.4(ATM):c.6289G>A (p.Glu2097Lys)

Genes: ATM (ATM serine/threonine kinase; plus strand), C11orf65 (chromosome 11 open reading frame 65; minus strand). Cytogenetic location: 11q22.3.
Variant type: single nucleotide variant.
Coding change: c.6289G>A on transcript NM_000051.4 (MANE Select); coding-DNA position 6289, G replaced by A.
Protein change: p.Glu2097Lys; replaces glutamic acid 2097 with lysine.
Molecular consequence: missense variant. On other transcripts: intron variant (2).
Genome position (GRCh38, 1-based): chr11:108,317,463, G>A. VCF-style: chr11-108317463-G-A. GRCh37 (hg19) VCF-style: chr11-108188190-G-A.
Other names: c.6289G>A, p.Glu2097Lys (NM_001351834.2); c.641-8392C>T (NM_001330368.2); c.*39-8392C>T (NM_001351110.2); short protein forms E2097K.
Identifiers: ClinVar variation 3452165 (VCV003452165.1).

ClinVar aggregate classification (germline): Uncertain significance (1 of 4 stars; one submission).

Conditions:
Hereditary cancer-predisposing syndrome. Also called: Tumor predisposition; Hereditary Cancer Syndrome; Neoplastic Syndromes, Hereditary; Hereditary neoplastic syndrome. Identifiers: Orphanet 140162, MedGen C0027672, MeSH D009386, MONDO:0015356.

Submission:

Ambry Genetics
Classification: Uncertain significance for Hereditary cancer-predisposing syndrome. Last evaluated: 2024-10-31. Review status: criteria provided, single submitter. Criteria: Ambry Variant Classification Scheme 2023. Collection method: clinical testing. Allele origin: germline.
Comment: The p.E2097K variant (also known as c.6289G>A), located in coding exon 42 of the ATM gene, results from a G to A substitution at nucleotide position 6289. The glutamic acid at codon 2097 is replaced by lysine, an amino acid with similar properties. This amino acid position is highly conserved in available vertebrate species. In addition, this alteration is predicted to be deleterious by in silico analysis. Based on the available evidence, the clinical significance of this variant remains unclear.